The following is an entry in ClinVar:

ClinVar aggregate classification (germline): Likely pathogenic (1 of 4 stars; one submission).

Conditions:
CHARGE syndrome (CHARGE). Also called: Hittner Hirsch Kreh syndrome; CHARGE ASSOCIATION--COLOBOMA, HEART ANOMALY, CHOANAL ATRESIA, RETARDATION, GENITAL AND EAR ANOMALIES; Coloboma, heart anomaly, choanal atresia, retardation, genital and ear anomalies; CHARGE association; Hall-Hittner syndrome. Identifiers: Orphanet 138, MedGen C0265354, MONDO:0008965.

Submission:

Institute of Rare Diseases, West China Hospital, Sichuan University
Classification: Likely pathogenic for CHD7-related CHARGE syndrome. Last evaluated: 2025-01-09. Review status: criteria provided, single submitter. Criteria: ClinGen HL ACMG Specifications v1. Collection method: research. Allele origin: germline. Affected: yes.
Comment: PS2;PM2_Supporting;PP3

NM_017780.4(CHD7):c.3751T>C (p.Cys1251Arg)

Gene: CHD7 (chromodomain helicase DNA binding protein 7; plus strand). Cytogenetic location: 8q12.2.
Variant type: single nucleotide variant.
Coding change: c.3751T>C on transcript NM_017780.4 (MANE Select); coding-DNA position 3751, T replaced by C.
Protein change: p.Cys1251Arg; replaces cysteine 1251 with arginine.
Molecular consequence: missense variant. On other transcripts: intron variant (1).
Genome position (GRCh38, 1-based): chr8:60,830,550, T>C. VCF-style: chr8-60830550-T-C. GRCh37 (hg19) VCF-style: chr8-61743109-T-C.
Other names: c.1717-31679T>C (NM_001316690.1); short protein forms C1251R.
Identifiers: ClinVar variation 3601827 (VCV003601827.1).
Genomic context (GRCh38, chr8:60,830,550, plus strand): 5'-AAAGGCGGTGGTCAAGCTAACGTACCTAACCTATTAAACACTATGATGGAATTGCGGAAG[T>C]GCTGCAATCATCCGTACCTTATCAATGGTAAGGCTGCCCTGCTCGCGAACTTGCTTAAGT-3'
Protein context (NP_060250.2, residues 1241-1261): LLNTMMELRK[Cys1251Arg]CNHPYLINGA